The following is an entry in ClinVar:

NM_024675.4(PALB2):c.854C>G (p.Ser285Ter)

Gene: PALB2 (partner and localizer of BRCA2; minus strand). Cytogenetic location: 16p12.2.
Variant type: single nucleotide variant.
Coding change: c.854C>G on transcript NM_024675.4 (MANE Select); coding-DNA position 854, C replaced by G.
Protein change: p.Ser285Ter; replaces serine 285 with a stop codon.
Molecular consequence: nonsense.
Genome position (GRCh38, 1-based): chr16:23,635,692, G>C on the plus strand (C>G on the coding strand, the complement: PALB2 is on the minus strand). VCF-style: chr16-23635692-G-C. GRCh37 (hg19) VCF-style: chr16-23647013-G-C.
Other names: short protein forms S285*.
Identifiers: ClinVar variation 486026 (VCV000486026.5), dbSNP rs180177094, ClinGen allele CA395135849.
Genomic context (GRCh38, chr16:23,635,692, plus strand): 5'-ACAAGGAGGTTATCTGTAGAGACAGTCATTTTTTTGCCTTGTGCCTCCAAACTTACAGGT[G>C]AAGTAAATCTAATGTTTTTTAGGTCGTGAGTAGTAAGTTCACTGCTACCTTTAGGAGGAA-3'

ClinVar aggregate classification (germline): Pathogenic (1 of 4 stars; one submission).

Conditions:
Hereditary cancer-predisposing syndrome. Also called: Tumor predisposition; Hereditary Cancer Syndrome; Hereditary neoplastic syndrome; Neoplastic Syndromes, Hereditary. Identifiers: Orphanet 140162, MedGen C0027672, MeSH D009386, MONDO:0015356.

Submission:

Ambry Genetics
Classification: Pathogenic for Hereditary cancer-predisposing syndrome. Last evaluated: 2017-06-29. Review status: criteria provided, single submitter. Criteria: Ambry Variant Classification Scheme 2023. Collection method: clinical testing. Allele origin: germline.
Comment: The p.S285* pathogenic mutation (also known as c.854C>G), located in coding exon 4 of the PALB2 gene, results from a C to G substitution at nucleotide position 854. This changes the amino acid from a serine to a stop codon within coding exon 4. This alteration is expected to result in loss of function by premature protein truncation or nonsense-mediated mRNA decay. As such, this alteration is interpreted as a disease-causing mutation.